The following is an entry in ClinVar:

NM_000038.6(APC):c.1610G>A (p.Ser537Asn)

Gene: APC (APC regulator of Wnt signaling pathway; plus strand). Cytogenetic location: 5q22.2.
Variant type: single nucleotide variant.
Coding change: c.1610G>A on transcript NM_000038.6 (MANE Select); coding-DNA position 1610, G replaced by A.
Protein change: p.Ser537Asn; replaces serine 537 with asparagine.
Molecular consequence: missense variant.
Genome position (GRCh38, 1-based): chr5:112,827,990, G>A. VCF-style: chr5-112827990-G-A. GRCh37 (hg19) VCF-style: chr5-112163687-G-A.
Other names: c.1610G>A, p.Ser537Asn (NM_001127510.3, NM_001354895.2); c.1556G>A, p.Ser519Asn (NM_001127511.3); c.1664G>A, p.Ser555Asn (NM_001354896.2); c.1640G>A, p.Ser547Asn (NM_001354897.2); c.1535G>A, p.Ser512Asn (NM_001354898.2); c.1526G>A, p.Ser509Asn (NM_001354899.2); c.1487G>A, p.Ser496Asn (NM_001354900.2); c.1433G>A, p.Ser478Asn (NM_001354901.2); and 5 more; short protein forms S519N, S537N, S254N, S509N, S446N, S496N, S377N, S411N.
Identifiers: ClinVar variation 428134 (VCV000428134.20), dbSNP rs1001526630, ClinGen allele CA16024819.

ClinVar aggregate classification (germline): Uncertain significance. Review status: criteria provided, multiple submitters, no conflicts (2 of 4 stars). 8 submissions from 8 submitters: Uncertain significance (8). Last evaluated 2025-10-01.

Conditions:
APC-related disorder. Also called: APC-related condition.
Classic or attenuated familial adenomatous polyposis. Identifiers: MedGen CN372698, MONDO:0021057.
Hereditary cancer-predisposing syndrome. Also called: Hereditary Cancer Syndrome; Tumor predisposition; Hereditary neoplastic syndrome; Neoplastic Syndromes, Hereditary. Identifiers: Orphanet 140162, MedGen C0027672, MeSH D009386, MONDO:0015356.
Familial adenomatous polyposis 1 (FAP1). Also called: FAMILIAL ADENOMATOUS POLYPOSIS 1, ATTENUATED; POLYPOSIS, ADENOMATOUS INTESTINAL. Identifiers: MedGen C2713442, MONDO:0021056, OMIM 175100. Disease mechanism: loss of function.

Allele frequency attached by ClinVar (database versions not stated): gnomAD exomes below 0.00001; gnomAD 0.00001; TOPMed 0.00002.

Submissions (8):

Labcorp Genetics (formerly Invitae), Labcorp
Classification: Uncertain significance for Familial adenomatous polyposis 1. Last evaluated: 2025-10-01. Review status: criteria provided, single submitter. Criteria: Invitae Variant Classification Sherloc (09022015). Collection method: clinical testing. Allele origin: germline.
Comment: This sequence change replaces serine, which is neutral and polar, with asparagine, which is neutral and polar, at codon 537 of the APC protein (p.Ser537Asn). This variant is present in population databases (no rsID available, gnomAD 0.008%). This missense change has been observed in individual(s) with breast cancer (PMID: 33646313). ClinVar contains an entry for this variant (Variation ID: 428134). Invitae Evidence Modeling of protein sequence and biophysical properties (such as structural, functional, and spatial information, amino acid conservation, physicochemical variation, residue mobility, and thermodynamic stability) indicates that this missense variant is not expected to disrupt APC protein function with a negative predictive value of 95%. In summary, the available evidence is currently insufficient to determine the role of this variant in disease. Therefore, it has been classified as a Variant of Uncertain Significance.

Color Diagnostics, LLC DBA Color Health
Classification: Uncertain significance for Hereditary cancer-predisposing syndrome. Last evaluated: 2025-06-23. Review status: criteria provided, single submitter. Criteria: ACMG Guidelines, 2015. Collection method: clinical testing. Allele origin: germline.
Comment: This missense variant replaces serine with asparagine at codon 537 of the APC protein. Computational prediction suggests that this variant may not impact protein structure and function. To our knowledge, functional studies have not been reported for this variant. This variant has not been reported in individuals affected with APC-related disorders in the literature. This variant has been identified in 2/282118 chromosomes in the general population by the Genome Aggregation Database (gnomAD). The available evidence is insufficient to determine the role of this variant in disease conclusively. Therefore, this variant is classified as a Variant of Uncertain Significance.

PreventionGenetics, part of Exact Sciences
Classification: Uncertain significance for APC-related condition. Last evaluated: 2025-03-20. Review status: criteria provided, single submitter. Criteria: ACMG Guidelines, 2015. Collection method: clinical testing. Allele origin: germline.
Comment: The APC c.1610G>A variant is predicted to result in the amino acid substitution p.Ser537Asn. This variant has been reported in study of individuals with breast and ovarian cancer and in another study of individuals with biliary tract cancer (eTable3, George et al. 2021. PubMed ID: 33646313; eTable 2, Okawa et al. 2022. PubMed ID: 36243179). This variant is reported in 0.0080% of alleles in individuals of African descent in gnomAD and is reported as a variant of uncertain significance in ClinVar. At this time, the clinical significance of this variant is uncertain due to the absence of conclusive functional and genetic evidence.

Ambry Genetics
Classification: Uncertain significance for Hereditary cancer-predisposing syndrome. Last evaluated: 2025-02-14. Review status: criteria provided, single submitter. Criteria: Ambry Variant Classification Scheme 2023. Collection method: clinical testing. Allele origin: germline.
Comment: The p.S537N variant (also known as c.1610G>A), located in coding exon 12 of the APC gene, results from a G to A substitution at nucleotide position 1610. The serine at codon 537 is replaced by asparagine, an amino acid with highly similar properties. Missense alterations in APC are not a common cause of disease (Spier I et al. Genet Med. 2024 Feb;26(2):100992). This amino acid position is highly conserved in available vertebrate species. In addition, in silico predictors for this gene do not accurately predict pathogenicity. Based on the available evidence, the clinical significance of this variant remains unclear.

All of Us Research Program, National Institutes of Health
Classification: Uncertain significance for Classic or attenuated familial adenomatous polyposis. Last evaluated: 2023-11-30. Review status: criteria provided, single submitter. Criteria: ACMG Guidelines, 2015. Collection method: clinical testing. Allele origin: germline. Inheritance: Autosomal dominant inheritance. Observed: 1 variant allele, 1 heterozygote.
Comment: This study involves interpretation of variants in research participants for the purpose of population health screening. Participant phenotype was not available at the time of variant classification. Additional details can be found in publication PMID: 35346344, PMCID: PMC8962531

Baylor Genetics
Classification: Uncertain significance for Familial adenomatous polyposis 1. Last evaluated: 2023-11-07. Review status: criteria provided, single submitter. Criteria: ACMG Guidelines, 2015. Collection method: clinical testing. Allele origin: unknown.

St. Jude Molecular Pathology, St. Jude Children's Research Hospital
Classification: Uncertain significance for Familial adenomatous polyposis 1. Last evaluated: 2022-01-06. Review status: criteria provided, single submitter. Criteria: St. Jude Assertion Criteria 2020. Collection method: clinical testing. Allele origin: germline.
Comment: The APC c.1610G>A (p.Ser537Asn) missense change has a maximum subpopulation frequency of 0.0080% in gnomAD v2.1.1. The in silico tool REVEL is inconclusive about a pathogenic or benign effect of this variant on protein function, and to our knowledge functional studies have not been performed. To our knowledge, this variant has not been reported in individuals with APC-related familial adenomatous polyposis. In summary, the evidence currently available is insufficient to determine the clinical significance of this variant. It has therefore been classified as of uncertain significance.

Mendelics
Classification: Uncertain significance for Familial adenomatous polyposis 1. Last evaluated: 2018-07-02. Review status: criteria provided, single submitter. Criteria: Mendelics Assertion Criteria 2017. Collection method: clinical testing. Allele origin: unknown.

Literature cited by the submitters: PubMed 33646313 (cited by Labcorp Genetics (formerly Invitae), Labcorp).